The following is an entry in ClinVar:

ClinVar aggregate classification (germline): Pathogenic/Likely pathogenic. Review status: criteria provided, multiple submitters, no conflicts (2 of 4 stars). 10 submissions from 10 submitters: Pathogenic (5); Likely pathogenic (2). 3 of the submissions do not count toward it. Last evaluated 2025-09-17.

Conditions:
BTD-related disorder. Also called: BTD-related condition.
Biotinidase deficiency. Also called: Biotin deficiency; BTD deficiency; Late-onset biotin-responsive multiple carboxylase deficiency. Identifiers: Orphanet 79241, MedGen C0220754, MONDO:0009665, OMIM 253260.

Allele frequency attached by ClinVar (database versions not stated): gnomAD exomes below 0.00001; gnomAD 0.00001; TOPMed 0.00001.
gnomAD v4.1: 5 of 1,614,078 alleles (0.00031%); highest among the groups gnomAD compares: African/African-American, 0.0013%; no homozygotes.

Submissions (10):

Natera, Inc.
Classification: Pathogenic for Biotinidase deficiency. Last evaluated: 2025-09-17. Review status: criteria provided, single submitter. Criteria: Natera Variant Classification Schema (03/2026). Collection method: clinical testing. Allele origin: germline.
Comment: The c.175C>T variant in BTD is a missense variant predicted to cause substitution of arginine to cysteine at amino acid 59. This variant is rare in the general population with a frequency below the threshold expected for the associated phenotype(s). This variant has been observed in one or more individuals affected with the associated recessive disease, as either homozygous or compound heterozygous with a second variant (PMID: 29359854, 15060693). Functional studies show that this variant may disrupt protein function (PMID: 29359854). A different variant at the same position has been determined to be Pathogenic or Likely Pathogenic. Computational prediction algorithms indicate this variant is likely to affect gene or protein function. Given the available evidence, this variant is classified as Pathogenic.

Revvity Omics, Revvity
Classification: Pathogenic for Biotinidase deficiency. Last evaluated: 2025-05-21. Review status: criteria provided, single submitter. Criteria: ACMG Guidelines, 2015. Collection method: clinical testing. Allele origin: germline.

Labcorp Genetics (formerly Invitae), Labcorp
Classification: Pathogenic for Biotinidase deficiency. Last evaluated: 2025-04-11. Review status: criteria provided, single submitter. Criteria: Invitae Variant Classification Sherloc (09022015). Collection method: clinical testing. Allele origin: germline.
Comment: This sequence change replaces arginine, which is basic and polar, with cysteine, which is neutral and slightly polar, at codon 79 of the BTD protein (p.Arg79Cys). This variant is not present in population databases (gnomAD no frequency). This missense change has been observed in individual(s) with biotinidase deficiency (PMID: 10801053, 27845546). ClinVar contains an entry for this variant (Variation ID: 1905). Invitae Evidence Modeling of protein sequence and biophysical properties (such as structural, functional, and spatial information, amino acid conservation, physicochemical variation, residue mobility, and thermodynamic stability) indicates that this missense variant is expected to disrupt BTD protein function with a positive predictive value of 95%. This variant disrupts the p.Arg79 amino acid residue in BTD. Other variant(s) that disrupt this residue have been determined to be pathogenic (PMID: 14707518). This suggests that this residue is clinically significant, and that variants that disrupt this residue are likely to be disease-causing. For these reasons, this variant has been classified as Pathogenic.

Fulgent Genetics
Classification: Pathogenic for Biotinidase deficiency. Last evaluated: 2024-04-05. Review status: criteria provided, single submitter. Criteria: ACMG Guidelines, 2015. Collection method: clinical testing. Allele origin: germline.

Blueprint Genetics
Classification: Pathogenic for BTD-related disorders. Last evaluated: 2023-02-28. Review status: criteria provided, single submitter. Criteria: ACMG Guidelines, 2015. Collection method: clinical testing. Allele origin: germline. Affected: yes. Observed: 4 variant alleles.

CeGaT Center for Human Genetics Tuebingen
Classification: Likely pathogenic. Last evaluated: 2021-12-01. Review status: criteria provided, single submitter. Criteria: CeGaT Center For Human Genetics Tuebingen Variant Classification Criteria Version 2. Collection method: clinical testing. Allele origin: germline. Affected: yes. Observed: 1 variant allele.

Hadassah Hebrew University Medical Center
Classification: Likely pathogenic for Biotinidase deficiency. Last evaluated: 2019-06-20. Review status: criteria provided, single submitter. Criteria: ACMG Guidelines, 2015. Collection method: clinical testing. Allele origin: germline. Affected: yes.

Counsyl
Classification: Pathogenic for Biotinidase deficiency. Last evaluated: 2016-09-28. Review status: no assertion criteria provided. Collection method: clinical testing. Allele origin: unknown. Not counted in ClinVar's aggregate classification.

OMIM
Classification: Pathogenic for BIOTINIDASE DEFICIENCY. Last evaluated: 2000-03-01. Review status: no assertion criteria provided. Collection method: literature only. Allele origin: germline. Not counted in ClinVar's aggregate classification.

Myelin Disorders Clinic-Children's Medical Center/Medical Genetics Lab-Tarbiat Modares University, Children's Medical Center, Pediatrics Center of Excellence,
Classification: Likely pathogenic for Biotinidase deficiency. Review status: no assertion criteria provided. Collection method: clinical testing. Allele origin: inherited. Inheritance: Autosomal recessive inheritance. Affected: yes. Not counted in ClinVar's aggregate classification.

Literature cited by the submitters: PubMed 29359854 (cited by Natera, Inc.); PubMed 15060693 (cited by Natera, Inc.); PubMed 10801053 (cited by 3 submitters); PubMed 27845546 (cited by Labcorp Genetics (formerly Invitae), Labcorp); PubMed 14707518 (cited by Labcorp Genetics (formerly Invitae), Labcorp); PubMed 33223529 (cited by Hadassah Hebrew University Medical Center); PubMed 25423671 (cited by Counsyl); PubMed 20224900 (cited by Counsyl).

NM_001370658.1(BTD):c.175C>T (p.Arg59Cys)

Gene: BTD (biotinidase; plus strand). Cytogenetic location: 3p25.1.
Variant type: single nucleotide variant.
Coding change: c.175C>T on transcript NM_001370658.1 (MANE Select); coding-DNA position 175, C replaced by T.
Protein change: p.Arg59Cys; replaces arginine 59 with cysteine.
Molecular consequence: missense variant.
Genome position (GRCh38, 1-based): chr3:15,635,614, C>T. VCF-style: chr3-15635614-C-T. GRCh37 (hg19) VCF-style: chr3-15677121-C-T.
Other names: c.235C>T, p.Arg79Cys (NM_000060.4); c.175C>T, p.Arg59Cys (NM_001281723.4, NM_001281724.3, NM_001281725.3 and 37 more transcripts); short protein forms R79C, R59C.
Identifiers: ClinVar variation 1905 (VCV000001905.55), dbSNP rs104893687, ClinGen allele CA278016.